The following is an entry in ClinVar:

NM_000057.4(BLM):c.2134_2136del (p.Val712del)

Gene: BLM (BLM RecQ like helicase; plus strand). Cytogenetic location: 15q26.1.
Variant type: Deletion.
Coding change: c.2134_2136del on transcript NM_000057.4 (MANE Select); coding-DNA positions 2134 to 2136, 3 bases deleted (GTC; older notation c.2134_2136delGTC).
Protein change: p.Val712del; deletes valine 712.
Molecular consequence: inframe deletion.
Genome position (GRCh38, 1-based): chr15:90,765,355-90,765,357, GTC deleted. VCF-style (leftmost placement, unchanged base first): chr15-90765354-TGTC-T. GRCh37 (hg19) VCF-style: chr15-91308584-TGTC-T.
Other names: c.2134_2136del, p.Val712del (NM_001287246.2, NM_001287247.2); c.1009_1011del, p.Val337del (NM_001287248.2); short protein forms V337del, V712del.
Identifiers: ClinVar variation 2859070 (VCV002859070.3), dbSNP rs2505441509, ClinGen allele CA2739269764.

ClinVar aggregate classification (germline): Uncertain significance (1 of 4 stars; one submission).

Conditions:
Bloom syndrome (BLM). Also called: Bloom-Torre-Machacek syndrome. Identifiers: Orphanet 125, MedGen C0005859, MONDO:0008876, OMIM 210900.

Submission:

Labcorp Genetics (formerly Invitae), Labcorp
Classification: Uncertain significance for Bloom syndrome. Last evaluated: 2023-04-25. Review status: criteria provided, single submitter. Criteria: Invitae Variant Classification Sherloc (09022015). Collection method: clinical testing. Allele origin: germline.
Comment: This variant, c.2134_2136del, results in the deletion of 1 amino acid(s) of the BLM protein (p.Val712del), but otherwise preserves the integrity of the reading frame. This variant is not present in population databases (gnomAD no frequency). This variant has not been reported in the literature in individuals affected with BLM-related conditions. Experimental studies and prediction algorithms are not available or were not evaluated, and the functional significance of this variant is currently unknown. In summary, the available evidence is currently insufficient to determine the role of this variant in disease. Therefore, it has been classified as a Variant of Uncertain Significance.